The following is an entry in ClinVar:

NM_001903.5(CTNNA1):c.1207G>A (p.Val403Ile)

Gene: CTNNA1 (catenin alpha 1; plus strand). Cytogenetic location: 5q31.2.
Variant type: single nucleotide variant.
Coding change: c.1207G>A on transcript NM_001903.5 (MANE Select); coding-DNA position 1207, G replaced by A.
Protein change: p.Val403Ile; replaces valine 403 with isoleucine.
Molecular consequence: missense variant. On other transcripts: 5 prime UTR variant (5), intron variant (2).
Genome position (GRCh38, 1-based): chr5:138,887,553, G>A. VCF-style: chr5-138887553-G-A. GRCh37 (hg19) VCF-style: chr5-138223242-G-A.
Other names: p.Val403Ile; c.1207G>A, p.Val403Ile (NM_001290307.3, NM_001323982.2, NM_001323983.1 and 3 more transcripts); c.898G>A, p.Val300Ile (NM_001290309.3); c.838G>A, p.Val280Ile (NM_001290310.3); c.97G>A, p.Val33Ile (NM_001290312.1, NM_001323987.1, NM_001323988.1 and 18 more transcripts); c.-301G>A (NM_001324006.1, NM_001324007.1, NM_001324008.1 and 1 more transcripts); c.-176G>A (NM_001324013.1); c.-58+11956G>A (NM_001324012.1); and 2 more; short protein forms V33I, V403I, V280I, V300I.
Identifiers: ClinVar variation 661701 (VCV000661701.19), dbSNP rs760179421, ClinGen allele CA3431883.

ClinVar aggregate classification (germline): Conflicting classifications of pathogenicity. Review status: criteria provided, conflicting classifications (1 of 4 stars). 7 submissions from 7 submitters: Uncertain significance (6); Benign (1). Last evaluated 2026-02-11.

Conditions:
CTNNA1-related disorder. Also called: CTNNA1-related condition.
Hereditary diffuse gastric adenocarcinoma (HDGC). Also called: DIFFUSE GASTRIC AND LOBULAR BREAST CANCER SYNDROME. Identifiers: Orphanet 26106, MedGen C1708349, MONDO:0007648, OMIM 137215.
Hereditary cancer-predisposing syndrome. Also called: Hereditary Cancer Syndrome; Hereditary neoplastic syndrome; Tumor predisposition; Neoplastic Syndromes, Hereditary. Identifiers: Orphanet 140162, MedGen C0027672, MeSH D009386, MONDO:0015356.
Patterned macular dystrophy 2. Identifiers: Orphanet 99001, MedGen C1837029, MONDO:0012162, OMIM 608970.

Allele frequency attached by ClinVar (database versions not stated): gnomAD 0.00002; ExAC 0.00002; TOPMed 0.00003; gnomAD exomes 0.00001.
gnomAD v4.1: 37 of 1,611,804 alleles (0.0023%); highest among the groups gnomAD compares: Non-Finnish European, 0.003%; no homozygotes.

Submissions (7):

St. Jude Molecular Pathology, St. Jude Children's Research Hospital
Classification: Uncertain significance for Hereditary diffuse gastric adenocarcinoma. Last evaluated: 2026-02-11. Review status: criteria provided, single submitter. Criteria: St. Jude Assertion Criteria 2020. Collection method: clinical testing. Allele origin: germline.
Comment: The CTNNA1 c.1207G>A p.(Val403Ile) missense change has a maximum subpopulation frequency of 0.01% in gnomAD v2.1.1. The in silico tool REVEL is inconclusive about a pathogenic or benign effect of this variant on protein function, and to our knowledge functional studies have not been performed. To our knowledge, this variant has not been reported in individuals with CTNNA1-related disease. In summary, the evidence currently available is insufficient to determine the clinical significance of this variant. It has therefore been classified as of uncertain significance.

Labcorp Genetics (formerly Invitae), Labcorp
Classification: Uncertain significance. Last evaluated: 2026-01-19. Review status: criteria provided, single submitter. Criteria: Invitae Variant Classification Sherloc (09022015). Collection method: clinical testing. Allele origin: germline.
Comment: This sequence change replaces valine, which is neutral and non-polar, with isoleucine, which is neutral and non-polar, at codon 403 of the CTNNA1 protein (p.Val403Ile). This variant is present in population databases (rs760179421, gnomAD 0.01%). This variant has not been reported in the literature in individuals affected with CTNNA1-related conditions. ClinVar contains an entry for this variant (Variation ID: 661701). Invitae Evidence Modeling of protein sequence and biophysical properties (such as structural, functional, and spatial information, amino acid conservation, physicochemical variation, residue mobility, and thermodynamic stability) indicates that this missense variant is not expected to disrupt CTNNA1 protein function with a negative predictive value of 80%. In summary, the available evidence is currently insufficient to determine the role of this variant in disease. Therefore, it has been classified as a Variant of Uncertain Significance.

GeneDx
Classification: Uncertain significance. Last evaluated: 2025-06-09. Review status: criteria provided, single submitter. Criteria: GeneDx Variant Classification Process June 2021. Collection method: clinical testing. Allele origin: germline.
Comment: Not observed at significant frequency in large population cohorts (gnomAD); In silico analysis suggests that this missense variant does not alter protein structure/function; Observed in individuals referred for hereditary cancer multi-gene panel testing (PMID: 32051609); This variant is associated with the following publications: (PMID: 32051609)

Baylor Genetics
Classification: Uncertain significance for Patterned macular dystrophy 2. Last evaluated: 2023-10-04. Review status: criteria provided, single submitter. Criteria: ACMG Guidelines, 2015. Collection method: clinical testing. Allele origin: unknown.

Mayo Clinic Laboratories, Mayo Clinic
Classification: Uncertain significance. Last evaluated: 2023-09-12. Review status: criteria provided, single submitter. Criteria: ACMG Guidelines, 2015. Collection method: clinical testing. Allele origin: germline. Observed: 1 variant allele.
Comment: PM2_moderate

PreventionGenetics, part of Exact Sciences
Classification: Uncertain significance for CTNNA1-related condition. Last evaluated: 2023-06-05. Review status: criteria provided, single submitter. Criteria: ACMG Guidelines, 2015. Collection method: clinical testing. Allele origin: germline.
Comment: The CTNNA1 c.1207G>A variant is predicted to result in the amino acid substitution p.Val403Ile. This variant was identified in 12 individuals who underwent germline genetic testing that included the CTNNA1 gene, although phenotypic information was not provided on those individuals (Supplemental Table 1, Clark et al. 2020. PubMed ID: 32051609). This variant is reported in 0.012% of alleles in individuals of African descent in gnomAD and is interpreted as uncertain or benign in ClinVar. At this time, the clinical significance of this variant is uncertain due to the absence of conclusive functional and genetic evidence.

Ambry Genetics
Classification: Benign for Hereditary cancer-predisposing syndrome. Last evaluated: 2022-06-17. Review status: criteria provided, single submitter. Criteria: Ambry Variant Classification Scheme 2023. Collection method: clinical testing. Allele origin: germline.

Literature cited by the submitters: PubMed 32051609 (cited by Mayo Clinic Laboratories, Mayo Clinic).